The following is an entry in ClinVar:

ClinVar aggregate classification (germline): Pathogenic (1 of 4 stars; one submission).

Conditions:
Hereditary cancer-predisposing syndrome. Also called: Neoplastic Syndromes, Hereditary; Tumor predisposition; Hereditary neoplastic syndrome; Hereditary Cancer Syndrome. Identifiers: Orphanet 140162, MedGen C0027672, MeSH D009386, MONDO:0015356.

Submission:

Ambry Genetics
Classification: Pathogenic for Hereditary cancer-predisposing syndrome. Last evaluated: 2018-10-18. Review status: criteria provided, single submitter. Criteria: Ambry Variant Classification Scheme 2023. Collection method: clinical testing. Allele origin: germline.
Comment: The c.5404_5405delCA pathogenic mutation, located in coding exon 10 of the BRCA2 gene, results from a deletion of two nucleotides at nucleotide positions 5404 to 5405, causing a translational frameshift with a predicted alternate stop codon (p.Q1802Nfs*4). This alteration is expected to result in loss of function by premature protein truncation or nonsense-mediated mRNA decay. As such, this alteration is interpreted as a disease-causing mutation.

NM_000059.4(BRCA2):c.5404_5405del (p.Gln1802fs)

Gene: BRCA2 (BRCA2 DNA repair associated; plus strand). Cytogenetic location: 13q13.1.
Variant type: Microsatellite.
Coding change: c.5404_5405del on transcript NM_000059.4 (MANE Select); coding-DNA positions 5404 to 5405, 2 bases deleted (CA; older notation c.5404_5405delCA).
Protein change: p.Gln1802fs; shifts the reading frame from glutamine 1802.
Molecular consequence: frameshift variant.
Genome position (GRCh38, 1-based): chr13:32,339,759-32,339,760, CA deleted; deleting any 2 consecutive bases within chr13:32,339,757-32,339,760 gives the same sequence; the c. name uses the placement nearest the transcript's 3' end. VCF-style (leftmost placement, unchanged base first): chr13-32339756-CCA-C. GRCh37 (hg19) VCF-style: chr13-32913893-CCA-C.
Other names: short protein forms Q1802fs.
Identifiers: ClinVar variation 825705 (VCV000825705.4), dbSNP rs1593905386, ClinGen allele CA915948492.
Genomic context (GRCh38, chr13:32,339,756, plus strand): 5'-GATCAAAAAAACACTAGTTTTTCCAAAGTAATATCCAATGTAAAAGATGCAAATGCATAC[CCA>C]CAAACTGTAAATGAAGATATTTGCGTTGAGGAACTTGTGACTAGCTCTTCACCCTGCAAA-3'